The following is an entry in ClinVar:

NM_022489.4(INF2):c.3700C>T (p.Pro1234Ser)

Gene: INF2 (inverted formin 2; plus strand). Cytogenetic location: 14q32.33.
Variant type: single nucleotide variant.
Coding change: c.3700C>T on transcript NM_022489.4 (MANE Select); coding-DNA position 3700, C replaced by T.
Protein change: p.Pro1234Ser; replaces proline 1234 with serine.
Molecular consequence: missense variant. On other transcripts: intron variant (1).
Genome position (GRCh38, 1-based): chr14:104,715,289, C>T. VCF-style: chr14-104715289-C-T. GRCh37 (hg19) VCF-style: chr14-105181626-C-T.
Other names: c.3694+433C>T (NM_001031714.4); short protein forms P1234S.
Identifiers: ClinVar variation 1511175 (VCV001511175.8), dbSNP rs2140703863, ClinGen allele CA391226165.

ClinVar aggregate classification (germline): Uncertain significance (1 of 4 stars; one submission).

Conditions:
Focal segmental glomerulosclerosis 5 (FSGS5). Identifiers: Orphanet 656, MedGen C2750475, MONDO:0013191, OMIM 613237.
Charcot-Marie-Tooth disease dominant intermediate E. Also called: CHARCOT-MARIE-TOOTH NEUROPATHY WITH FOCAL SEGMENTAL GLOMERULONEPHRITIS. Identifiers: Orphanet 93114, MedGen C4302667, MONDO:0013758, OMIM 614455.

Submission:

Labcorp Genetics (formerly Invitae), Labcorp
Classification: Uncertain significance for Charcot-Marie-Tooth disease dominant intermediate E; Focal segmental glomerulosclerosis 5. Last evaluated: 2025-04-11. Review status: criteria provided, single submitter. Criteria: Invitae Variant Classification Sherloc (09022015). Collection method: clinical testing. Allele origin: germline.
Comment: This sequence change replaces proline, which is neutral and non-polar, with serine, which is neutral and polar, at codon 1234 of the INF2 protein (p.Pro1234Ser). This variant is not present in population databases (gnomAD no frequency). This variant has not been reported in the literature in individuals affected with INF2-related conditions. ClinVar contains an entry for this variant (Variation ID: 1511175). Invitae Evidence Modeling of protein sequence and biophysical properties (such as structural, functional, and spatial information, amino acid conservation, physicochemical variation, residue mobility, and thermodynamic stability) indicates that this missense variant is not expected to disrupt INF2 protein function with a negative predictive value of 95%. In summary, the available evidence is currently insufficient to determine the role of this variant in disease. Therefore, it has been classified as a Variant of Uncertain Significance.